The following is an entry in ClinVar:

NM_024800.5(NEK11):c.488A>G (p.Asn163Ser)

Gene: NEK11 (NIMA related kinase 11; plus strand). Cytogenetic location: 3q22.1.
Variant type: single nucleotide variant.
Coding change: c.488A>G on transcript NM_024800.5 (MANE Select); coding-DNA position 488, A replaced by G.
Protein change: p.Asn163Ser; replaces asparagine 163 with serine.
Molecular consequence: missense variant. On other transcripts: intron variant (1).
Genome position (GRCh38, 1-based): chr3:131,132,777, A>G. VCF-style: chr3-131132777-A-G. GRCh37 (hg19) VCF-style: chr3-130851621-A-G.
Other names: c.488A>G, p.Asn163Ser (NM_001146003.2, NM_001321220.2, NM_001321222.2 and 14 more transcripts); c.614A>G, p.Asn205Ser (NM_001321221.2, NM_001353022.2, NM_001353026.2); c.44A>G, p.Asn15Ser (NM_001321224.2, NM_001353038.2, NM_001353039.2 and 6 more transcripts); c.456-19611A>G (NM_001353036.2); c.170A>G, p.Asn57Ser (NM_001353033.2, NM_001353034.2); short protein forms N15S, N163S, N205S, N57S.
Identifiers: ClinVar variation 2654150 (VCV002654150.24), dbSNP rs2084751472, ClinGen allele CA354718690.

ClinVar aggregate classification (germline): Uncertain significance (1 of 4 stars; one submission).

Submission:

CeGaT Center for Human Genetics Tuebingen
Classification: Uncertain significance. Last evaluated: 2022-11-01. Review status: criteria provided, single submitter. Criteria: CeGaT Center For Human Genetics Tuebingen Variant Classification Criteria Version 2. Collection method: clinical testing. Allele origin: germline. Affected: yes. Observed: 1 variant allele.
Comment: NEK11: PM2